The following is an entry in ClinVar:

NM_000719.7(CACNA1C):c.1548G>C (p.Lys516Asn)

Gene: CACNA1C (calcium voltage-gated channel subunit alpha1 C; plus strand). Cytogenetic location: 12p13.33.
Variant type: single nucleotide variant.
Coding change: c.1548G>C on transcript NM_000719.7 (MANE Select); coding-DNA position 1548, G replaced by C.
Protein change: p.Lys516Asn; replaces lysine 516 with asparagine.
Molecular consequence: missense variant.
Genome position (GRCh38, 1-based): chr12:2,566,461, G>C. VCF-style: chr12-2566461-G-C. GRCh37 (hg19) VCF-style: chr12-2675627-G-C.
Other names: c.1548G>C, p.Lys516Asn (NM_001129827.2, NM_001129829.2, NM_001129830.3 and 18 more transcripts); c.1539G>C, p.Lys513Asn (NM_001129844.2); short protein forms K513N, K516N.
Identifiers: ClinVar variation 3628246 (VCV003628246.2).

ClinVar aggregate classification (germline): Uncertain significance (1 of 4 stars; one submission).

Conditions:
Long QT syndrome (LQTS). Identifiers: MedGen C0023976, MeSH D008133, MONDO:0002442. Disease mechanism: loss of function. Inheritance: Various modes of inheritance.

gnomAD v4.1: 4 of 1,596,514 alleles (0.00025%); highest among the groups gnomAD compares: Non-Finnish European, 0.00034%; no homozygotes.

Submission:

Labcorp Genetics (formerly Invitae), Labcorp
Classification: Uncertain significance for Long QT syndrome. Last evaluated: 2024-12-19. Review status: criteria provided, single submitter. Criteria: Invitae Variant Classification Sherloc (09022015). Collection method: clinical testing. Allele origin: germline.
Comment: This sequence change replaces lysine, which is basic and polar, with asparagine, which is neutral and polar, at codon 516 of the CACNA1C protein (p.Lys516Asn). This variant is not present in population databases (gnomAD no frequency). This variant has not been reported in the literature in individuals affected with CACNA1C-related conditions. Invitae Evidence Modeling of protein sequence and biophysical properties (such as structural, functional, and spatial information, amino acid conservation, physicochemical variation, residue mobility, and thermodynamic stability) indicates that this missense variant is not expected to disrupt CACNA1C protein function with a negative predictive value of 95%. In summary, the available evidence is currently insufficient to determine the role of this variant in disease. Therefore, it has been classified as a Variant of Uncertain Significance.